The following is an entry in ClinVar:

NM_032119.4(ADGRV1):c.2123G>T (p.Gly708Val)

Gene: ADGRV1 (adhesion G protein-coupled receptor V1; plus strand). Cytogenetic location: 5q14.3.
Variant type: single nucleotide variant.
Coding change: c.2123G>T on transcript NM_032119.4 (MANE Select); coding-DNA position 2123, G replaced by T.
Protein change: p.Gly708Val; replaces glycine 708 with valine.
Molecular consequence: missense variant. On other transcripts: non-coding transcript variant (1).
Genome position (GRCh38, 1-based): chr5:90,637,831, G>T. VCF-style: chr5-90637831-G-T. GRCh37 (hg19) VCF-style: chr5-89933648-G-T.
Other names: short protein forms G708V.
Identifiers: ClinVar variation 1505858 (VCV001505858.5), dbSNP rs752509634, ClinGen allele CA3338837.
Genomic context (GRCh38, chr5:90,637,831, plus strand): 5'-TCTACTGGAGTTTGAAGCCCTCTGGCTTTAATTCAAAAGCAGTGACCCCGGATGATATAG[G>T]CCCCTTTAATGGCTCTGTTTTGTTTTTATCTGGGCAAAGTGACACAACAATCAACATTAC-3'
Protein context (NP_115495.3, residues 698-718): NSKAVTPDDI[Gly708Val]PFNGSVLFLS

ClinVar aggregate classification (germline): Uncertain significance (1 of 4 stars; one submission).

Allele frequency attached by ClinVar (database versions not stated): gnomAD exomes 0.00001; ExAC 0.00001.
gnomAD v4.1: 2 of 1,613,634 alleles (0.00012%); highest among the groups gnomAD compares: Admixed American, 0.0017%; no homozygotes.

Submission:

Labcorp Genetics (formerly Invitae), Labcorp
Classification: Uncertain significance. Last evaluated: 2022-01-26. Review status: criteria provided, single submitter. Criteria: Invitae Variant Classification Sherloc (09022015). Collection method: clinical testing. Allele origin: germline.
Comment: This sequence change replaces glycine, which is neutral and non-polar, with valine, which is neutral and non-polar, at codon 708 of the ADGRV1 protein (p.Gly708Val). This variant is present in population databases (rs752509634, gnomAD 0.003%). This variant has not been reported in the literature in individuals affected with ADGRV1-related conditions. Algorithms developed to predict the effect of missense changes on protein structure and function are either unavailable or do not agree on the potential impact of this missense change (SIFT: "Deleterious"; PolyPhen-2: "Probably Damaging"; Align-GVGD: "Class C0"). In summary, the available evidence is currently insufficient to determine the role of this variant in disease. Therefore, it has been classified as a Variant of Uncertain Significance.